The following is an entry in ClinVar:

NM_000536.3(RAG2):c.[1403_1406delATCT;1A>G]

Variant type: Haplotype.
Identifiers: ClinVar variation 624574 (VCV000624574.4).

ClinVar aggregate classification (germline): Pathogenic (0 of 4 stars; one submission).

Conditions:
Severe combined immunodeficiency, autosomal recessive, T cell-negative, B cell-negative, NK cell-positive. Also called: SCID, T CELL-NEGATIVE, B CELL-NEGATIVE, NK CELL-POSITIVE; Severe combined immunodeficiency due to complete RAG1/2 deficiency; SCID, AR, T-cell negative, B-cell negative, NK cell-positive. Identifiers: Orphanet 331206, MedGen C1832322, MONDO:0011086, OMIM 601457.

Submission:

Laboratory of Pediatric Immunoinfectivology, Tor Vergata University
Classification: Pathogenic for Severe combined immunodeficiency, autosomal recessive, T cell-negative, B cell-negative, NK cell-positive. Last evaluated: 2019-02-28. Review status: no assertion criteria provided. Collection method: clinical testing. Allele origin: germline. Affected: yes.
Comment: SCID (Severe Combined Immunodeficiency) T-B-NK+

RAG2base: S0046

Literature cited by the submitters: DOI 10.3389/fimmu.2019.00316.